The following is an entry in ClinVar:

ClinVar aggregate classification (germline): Benign/Likely benign. Review status: criteria provided, multiple submitters, no conflicts (2 of 4 stars). 7 submissions from 7 submitters: Benign (2); Likely benign (5). Last evaluated 2026-01-14.

Conditions:
Tuberous sclerosis syndrome (TSC). Also called: Tuberous Sclerosis Complex; Tuberous sclerosis. Identifiers: Orphanet 805, MedGen C0041341, MONDO:0001734.
Hereditary cancer-predisposing syndrome. Also called: Neoplastic Syndromes, Hereditary; Tumor predisposition; Hereditary Cancer Syndrome; Hereditary neoplastic syndrome. Identifiers: Orphanet 140162, MedGen C0027672, MeSH D009386, MONDO:0015356.
Tuberous sclerosis 2 (TSC2). Identifiers: Orphanet 805, MedGen C1860707, MONDO:0013199, OMIM 613254.

Allele frequency attached by ClinVar (database versions not stated): gnomAD exomes below 0.00001; ExAC 0.00001; gnomAD 0.00002 and 0.00003; TOPMed 0.00002; 1000 Genomes Project 30x 0.00016; 1000 Genomes Project 0.00020.
gnomAD v4.1: 9 of 1,613,926 alleles (0.00056%); highest among the groups gnomAD compares: Admixed American, 0.005%; no homozygotes.

Submissions (7):

Labcorp Genetics (formerly Invitae), Labcorp
Classification: Likely benign for Tuberous sclerosis 2. Last evaluated: 2026-01-14. Review status: criteria provided, single submitter. Criteria: Invitae Variant Classification Sherloc (09022015). Collection method: clinical testing. Allele origin: germline.

Myriad Genetics, Inc.
Classification: Benign for Tuberous sclerosis 2. Last evaluated: 2025-05-21. Review status: criteria provided, single submitter. Criteria: Myriad Autosomal Dominant, Autosomal Recessive and X-Linked Classification Criteria (2023). Collection method: clinical testing. Allele origin: unknown.
Comment: This variant is considered benign. This variant is a silent/synonymous amino acid change and it is not expected to impact splicing.

Quest Diagnostics Nichols Institute San Juan Capistrano
Classification: Likely benign. Last evaluated: 2025-02-22. Review status: criteria provided, single submitter. Criteria: Quest Diagnostics criteria. Collection method: clinical testing. Allele origin: unknown.

Ambry Genetics
Classification: Likely benign for Hereditary cancer-predisposing syndrome. Last evaluated: 2023-07-17. Review status: criteria provided, single submitter. Criteria: Ambry Variant Classification Scheme 2023. Collection method: clinical testing. Allele origin: germline.

Color Diagnostics, LLC DBA Color Health
Classification: Likely benign for Tuberous sclerosis syndrome. Last evaluated: 2022-09-27. Review status: criteria provided, single submitter. Criteria: ACMG Guidelines, 2015. Collection method: clinical testing. Allele origin: germline.

Genome-Nilou Lab
Classification: Benign for Tuberous sclerosis 2. Last evaluated: 2021-11-07. Review status: criteria provided, single submitter. Criteria: ACMG Guidelines, 2015. Collection method: clinical testing. Allele origin: germline. Affected: no.

GeneDx
Classification: Likely benign. Last evaluated: 2020-02-26. Review status: criteria provided, single submitter. Criteria: GeneDx Variant Classification Process June 2021. Collection method: clinical testing. Allele origin: germline. Affected: yes.

NM_000548.5(TSC2):c.2694C>T (p.Ile898=)

Gene: TSC2 (TSC complex subunit 2; plus strand). Cytogenetic location: 16p13.3.
Variant type: single nucleotide variant.
Coding change: c.2694C>T on transcript NM_000548.5 (MANE Select); coding-DNA position 2694, C replaced by T.
Protein change: p.Ile898=; no amino-acid change (isoleucine 898 retained).
Molecular consequence: synonymous variant.
Genome position (GRCh38, 1-based): chr16:2,076,122, C>T. VCF-style: chr16-2076122-C-T. GRCh37 (hg19) VCF-style: chr16-2126123-C-T.
Other names: c.2694C>T, p.Ile898= (NM_001077183.3, NM_001114382.3, NM_001363528.2 and 3 more transcripts); c.2583C>T, p.Ile861= (NM_001318827.2); c.2547C>T, p.Ile849= (NM_001318829.2); c.2094C>T, p.Ile698= (NM_001318831.2); c.2727C>T, p.Ile909= (NM_001318832.2).
Identifiers: ClinVar variation 536036 (VCV000536036.22), dbSNP rs200360213, ClinGen allele CA040910.
Genomic context (GRCh38, chr16:2,076,122, plus strand): 5'-TCTCAGGTTTAATCAGTACATCGTGTGTCTGGCCCATCACGTCATAGCCATGTGGTTCAT[C>T]AGGTGCCGCCTGCCCTTCCGGAAGGATTTTGTCCCTTTCATCACTAAGGTGGGCTCAGGG-3'
Protein context (NP_000539.2, residues 888-908): LAHHVIAMWF[Ile898=]RCRLPFRKDF